The following is an entry in ClinVar:

NM_004006.3(DMD):c.1775A>G (p.Asp592Gly)

Gene: DMD (dystrophin; minus strand). Cytogenetic location: Xp21.1.
Variant type: single nucleotide variant.
Coding change: c.1775A>G on transcript NM_004006.3 (MANE Select); coding-DNA position 1775, A replaced by G.
Protein change: p.Asp592Gly; replaces aspartic acid 592 with glycine.
Molecular consequence: missense variant.
Genome position (GRCh38, 1-based): chrX:32,573,567, T>C on the plus strand (A>G on the coding strand, the complement: DMD is on the minus strand). VCF-style: chrX-32573567-T-C. GRCh37 (hg19) VCF-style: chrX-32591684-T-C.
Other names: c.1751A>G, p.Asp584Gly (NM_000109.4); c.1763A>G, p.Asp588Gly (NM_004009.3); c.1406A>G, p.Asp469Gly (NM_004010.3); short protein forms D469G, D584G, D588G, D592G.
Identifiers: ClinVar variation 3375949 (VCV003375949.2).

ClinVar aggregate classification (germline): Uncertain significance. Review status: criteria provided, multiple submitters, no conflicts (2 of 4 stars). 2 submissions from 2 submitters: Uncertain significance (2). Last evaluated 2025-05-08.

Conditions:
Cardiovascular phenotype. Identifiers: MedGen CN230736.

Submissions (2):

Ambry Genetics
Classification: Uncertain significance for Cardiovascular phenotype. Last evaluated: 2025-05-08. Review status: criteria provided, single submitter. Criteria: Ambry Variant Classification Scheme 2023. Collection method: clinical testing. Allele origin: germline.
Comment: The p.D592G variant (also known as c.1775A>G), located in coding exon 15 of the DMD gene, results from an A to G substitution at nucleotide position 1775. The aspartic acid at codon 592 is replaced by glycine, an amino acid with similar properties. This amino acid position is well conserved in available vertebrate species. In addition, the in silico prediction for this alteration is inconclusive. Based on the available evidence, the clinical significance of this variant remains unclear.

GeneDx
Classification: Uncertain significance. Last evaluated: 2024-05-07. Review status: criteria provided, single submitter. Criteria: GeneDx Variant Classification Process June 2021. Collection method: clinical testing. Allele origin: germline. Affected: yes.
Comment: Has not been previously published as pathogenic or benign to our knowledge; Not observed at significant frequency in large population cohorts (gnomAD); At the protein level, in silico analysis supports that this missense variant has a deleterious effect on protein structure/function; At the mRNA level, in silico analysis suggests this variant may impact gene splicing. In the absence of RNA/functional studies, the actual effect of this sequence change is unknown.; Missense variant in a gene in which most reported pathogenic variants are truncating/loss of function